The following is an entry in ClinVar:

ClinVar aggregate classification (germline): Pathogenic (1 of 4 stars; one submission).

Conditions:
Neurofibromatosis, type 1 (NF1). Also called: VON RECKLINGHAUSEN DISEASE; Peripheral type neurofibromatosis; NEUROFIBROMATOSIS, TYPE I, SOMATIC; Neurofibromatosis, type I. Identifiers: Orphanet 636, MedGen C0027831, MONDO:0018975, OMIM 162200. Disease mechanism: loss of function.

Submission:

Labcorp Genetics (formerly Invitae), Labcorp
Classification: Pathogenic for Neurofibromatosis, type 1. Last evaluated: 2025-02-18. Review status: criteria provided, single submitter. Criteria: Invitae Variant Classification Sherloc (09022015). Collection method: clinical testing. Allele origin: germline.
Comment: This sequence change creates a premature translational stop signal (p.Asn1854Lysfs*11) in the NF1 gene. It is expected to result in an absent or disrupted protein product. Loss-of-function variants in NF1 are known to be pathogenic (PMID: 10712197, 23913538). This variant is not present in population databases (gnomAD no frequency). This variant has not been reported in the literature in individuals affected with NF1-related conditions. For these reasons, this variant has been classified as Pathogenic.

Literature cited by the submitters: PubMed 10712197; PubMed 23913538.

NM_001042492.3(NF1):c.5624dup (p.Asn1875fs)

Gene: NF1 (neurofibromin 1; plus strand). Cytogenetic location: 17q11.2.
Variant type: Duplication.
Coding change: c.5624dup on transcript NM_001042492.3 (MANE Select); coding-DNA position 5624, one base duplicated (A; older notation c.5624dupA).
Protein change: p.Asn1875fs; shifts the reading frame from asparagine 1875.
Molecular consequence: frameshift variant.
Genome position (GRCh38, 1-based): chr17:31,330,310, A duplicated; the last of 2 consecutive A bases (chr17:31,330,309-31,330,310); duplicating either gives the same sequence. VCF-style (leftmost placement, unchanged base first): chr17-31330308-T-TA. GRCh37 (hg19) VCF-style: chr17-29657326-T-TA.
Other names: c.5561dup, p.Asn1854fs (NM_000267.4); short protein forms N1854fs, N1875fs.
Identifiers: ClinVar variation 4713153 (VCV004713153.1).